The following is an entry in ClinVar:

ClinVar aggregate classification (germline): Uncertain significance (1 of 4 stars; one submission).

Conditions:
Peutz-Jeghers syndrome (PJS). Also called: POLYPOSIS, HAMARTOMATOUS INTESTINAL; POLYPS-AND-SPOTS SYNDROME; Peutz-Jeghers polyposis; Periorificial lentiginosis syndrome. Identifiers: Orphanet 2869, MedGen C0031269, MeSH D010580, MONDO:0008280, OMIM 175200.

Submission:

Labcorp Genetics (formerly Invitae), Labcorp
Classification: Uncertain significance for Peutz-Jeghers syndrome. Last evaluated: 2019-01-13. Review status: criteria provided, single submitter. Criteria: Invitae Variant Classification Sherloc (09022015). Collection method: clinical testing. Allele origin: germline.
Comment: This sequence change replaces proline with alanine at codon 203 of the STK11 protein (p.Pro203Ala). The proline residue is highly conserved and there is a small physicochemical difference between proline and alanine. This variant is not present in population databases (ExAC no frequency). This variant has not been reported in the literature in individuals with STK11-related conditions. Algorithms developed to predict the effect of missense changes on protein structure and function (SIFT, PolyPhen-2, Align-GVGD) all suggest that this variant is likely to be tolerated, but these predictions have not been confirmed by published functional studies and their clinical significance is uncertain. In summary, the available evidence is currently insufficient to determine the role of this variant in disease. Therefore, it has been classified as a Variant of Uncertain Significance.

NM_000455.5(STK11):c.607C>G (p.Pro203Ala)

Gene: STK11 (serine/threonine kinase 11; plus strand). Cytogenetic location: 19p13.3.
Variant type: single nucleotide variant.
Coding change: c.607C>G on transcript NM_000455.5 (MANE Select); coding-DNA position 607, C replaced by G.
Protein change: p.Pro203Ala; replaces proline 203 with alanine.
Molecular consequence: missense variant.
Genome position (GRCh38, 1-based): chr19:1,220,590, C>G. VCF-style: chr19-1220590-C-G. GRCh37 (hg19) VCF-style: chr19-1220589-C-G.
Other names: short protein forms P203A.
Identifiers: ClinVar variation 845292 (VCV000845292.9), dbSNP rs2080775942, ClinGen allele CA402949428.